The following is an entry in ClinVar:

NM_001271.4(CHD2):c.4278+15C>T

Gene: CHD2 (chromodomain helicase DNA binding protein 2; plus strand). Cytogenetic location: 15q26.1.
Variant type: single nucleotide variant.
Coding change: c.4278+15C>T on transcript NM_001271.4 (MANE Select); 15 bases into the intron after coding-DNA position 4278, C replaced by T.
Molecular consequence: intron variant.
Genome position (GRCh38, 1-based): chr15:93,002,332, C>T. VCF-style: chr15-93002332-C-T. GRCh37 (hg19) VCF-style: chr15-93545562-C-T.
Identifiers: ClinVar variation 383674 (VCV000383674.4), dbSNP rs751745833, ClinGen allele CA7748426.

ClinVar aggregate classification (germline): Likely benign. Review status: criteria provided, multiple submitters, no conflicts (2 of 4 stars). 2 submissions from 2 submitters: Likely benign (2). Last evaluated 2024-02-27.

Conditions:
Developmental and epileptic encephalopathy 94 (DEE94). Also called: CHD2-Related Neurodevelopmental Disorders; Epileptic encephalopathy, childhood-onset. Identifiers: Orphanet 1942, Orphanet 2382, MedGen C3809278, MONDO:0014150, OMIM 615369.

Allele frequency attached by ClinVar (database versions not stated): gnomAD 0.00001; gnomAD exomes 0.00001; ExAC 0.00002; TOPMed 0.00002.
gnomAD v4.1: 3 of 1,588,328 alleles (0.00019%); highest among the groups gnomAD compares: African/African-American, 0.0041%; no homozygotes.

Submissions (2):

Labcorp Genetics (formerly Invitae), Labcorp
Classification: Likely benign for Developmental and epileptic encephalopathy 94. Last evaluated: 2024-02-27. Review status: criteria provided, single submitter. Criteria: Invitae Variant Classification Sherloc (09022015). Collection method: clinical testing. Allele origin: germline.

GeneDx
Classification: Likely benign. Last evaluated: 2016-02-12. Review status: criteria provided, single submitter. Criteria: GeneDx Variant Classification (06012015). Collection method: clinical testing. Allele origin: germline. Affected: yes.
Comment: This variant is considered likely benign or benign based on one or more of the following criteria: it is a conservative change, it occurs at a poorly conserved position in the protein, it is predicted to be benign by multiple in silico algorithms, and/or has population frequency not consistent with disease.